The following is an entry in ClinVar:

ClinVar aggregate classification (germline): Likely benign. Review status: criteria provided, multiple submitters, no conflicts (2 of 4 stars). 3 submissions from 3 submitters: Likely benign (3). Last evaluated 2024-10-21.

Allele frequency attached by ClinVar (database versions not stated): ExAC 0.00003; gnomAD exomes 0.00003; gnomAD 0.00005; TOPMed 0.00005; ESP Exome Variant Server 0.00015.
gnomAD v4.1: 60 of 1,614,032 alleles (0.0037%); highest among the groups gnomAD compares: Middle Eastern, 0.033%; no homozygotes.

Submissions (3):

Labcorp Genetics (formerly Invitae), Labcorp
Classification: Likely benign. Last evaluated: 2024-10-21. Review status: criteria provided, single submitter. Criteria: Invitae Variant Classification Sherloc (09022015). Collection method: clinical testing. Allele origin: germline.

Blueprint Genetics
Classification: Likely benign. Last evaluated: 2024-09-27. Review status: criteria provided, single submitter. Criteria: ACMG Guidelines, 2015. Collection method: clinical testing. Allele origin: germline.

CeGaT Center for Human Genetics Tuebingen
Classification: Likely benign. Last evaluated: 2022-11-01. Review status: criteria provided, single submitter. Criteria: CeGaT Center For Human Genetics Tuebingen Variant Classification Criteria Version 2. Collection method: clinical testing. Allele origin: germline. Affected: yes. Observed: 1 variant allele.
Comment: ACTN1: BP4, BP7

NM_001130004.2(ACTN1):c.1761G>A (p.Ala587=)

Gene: ACTN1 (actinin alpha 1; minus strand). Cytogenetic location: 14q24.1.
Variant type: single nucleotide variant.
Coding change: c.1761G>A on transcript NM_001130004.2 (MANE Select); coding-DNA position 1761, G replaced by A.
Protein change: p.Ala587=; no amino-acid change (alanine 587 retained).
Molecular consequence: synonymous variant.
Genome position (GRCh38, 1-based): chr14:68,882,930, C>T on the plus strand (G>A on the coding strand, the complement: ACTN1 is on the minus strand). VCF-style: chr14-68882930-C-T. GRCh37 (hg19) VCF-style: chr14-69349647-C-T.
Other names: c.1761G>A, p.Ala587= (NM_001102.4, NM_001130005.2); c.1785G>A, p.Ala595= (NM_001411035.1); c.1566G>A, p.Ala522= (NM_001411036.1).
Identifiers: ClinVar variation 2184973 (VCV002184973.29), dbSNP rs373146144, ClinGen allele CA7242285.